The following is an entry in ClinVar:

NM_004035.7(ACOX1):c.215AGA[1] (p.Lys73del)

Gene: ACOX1 (acyl-CoA oxidase 1; minus strand). Cytogenetic location: 17q25.1.
Variant type: Microsatellite.
Coding change: c.215AGA[1] on transcript NM_004035.7 (MANE Select); one copy of the 3-base unit AGA starting at c.215; the reference has two copies in a row; one copy, 3 bases deleted.
Protein change: p.Lys73del; deletes lysine 73.
Molecular consequence: inframe deletion.
Genome position (GRCh38, 1-based): chr17:75,978,583-75,978,585, TCT deleted on the plus strand (AGA on the coding strand, the reverse complement: ACOX1 is on the minus strand); deleting any 3 consecutive bases within chr17:75,978,583-75,978,590 gives the same sequence; the position shown is the placement nearest the transcript's 3' end. VCF-style (leftmost placement, unchanged base first): chr17-75978582-ATCT-A. GRCh37 (hg19) VCF-style: chr17-73974663-ATCT-A.
Other names: c.101AGA[1], p.Lys35del (NM_001185039.2); c.215AGA[1], p.Lys73del (NM_007292.6); short protein forms K35del, K73del.
Identifiers: ClinVar variation 4751924 (VCV004751924.1).

ClinVar aggregate classification (germline): Uncertain significance (1 of 4 stars; one submission).

Conditions:
Acyl-CoA oxidase deficiency. Also called: STRAIGHT-CHAIN ACYL-CoA OXIDASE DEFICIENCY; Pseudoneonatal adrenoleukodystrophy; Peroxisomal acyl-CoA oxidase deficiency. Identifiers: Orphanet 2971, MedGen C1849678, MONDO:0009919, OMIM 264470. Disease mechanism: loss of function.

Submission:

Labcorp Genetics (formerly Invitae), Labcorp
Classification: Uncertain significance for Acyl-CoA oxidase deficiency. Last evaluated: 2025-02-10. Review status: criteria provided, single submitter. Criteria: Invitae Variant Classification Sherloc (09022015). Collection method: clinical testing. Allele origin: germline.
Comment: This variant, c.218_220del, results in the deletion of 1 amino acid(s) of the ACOX1 protein (p.Lys73del), but otherwise preserves the integrity of the reading frame. This variant is present in population databases (rs767030677, gnomAD 0.004%). This variant has not been reported in the literature in individuals affected with ACOX1-related conditions. Experimental studies and prediction algorithms are not available or were not evaluated, and the functional significance of this variant is currently unknown. In summary, the available evidence is currently insufficient to determine the role of this variant in disease. Therefore, it has been classified as a Variant of Uncertain Significance.